The following is an entry in ClinVar:

ClinVar aggregate classification (germline): Uncertain significance (1 of 4 stars; one submission).

Conditions:
Norman-Roberts syndrome (LIS2). Also called: Lissencephaly 2 (Norman-Roberts type). Identifiers: Orphanet 89844, MedGen C0796089, MONDO:0009760, OMIM 257320.
Familial temporal lobe epilepsy 7. Identifiers: Orphanet 101046, MedGen C4225327, MONDO:0014639, OMIM 616436.

Allele frequency attached by ClinVar (database versions not stated): gnomAD exomes below 0.00001.
gnomAD v4.1: 2 of 1,614,228 alleles (0.00012%); highest among the groups gnomAD compares: Non-Finnish European, 0.00017%; no homozygotes.

Submission:

Labcorp Genetics (formerly Invitae), Labcorp
Classification: Uncertain significance for Familial temporal lobe epilepsy 7; Norman-Roberts syndrome. Last evaluated: 2020-02-02. Review status: criteria provided, single submitter. Criteria: Invitae Variant Classification Sherloc (09022015). Collection method: clinical testing. Allele origin: germline.
Comment: This sequence change replaces aspartic acid with glycine at codon 2326 of the RELN protein (p.Asp2326Gly). The aspartic acid residue is moderately conserved and there is a moderate physicochemical difference between aspartic acid and glycine. This variant is not present in population databases (ExAC no frequency). This variant has not been reported in the literature in individuals with RELN-related conditions. Algorithms developed to predict the effect of missense changes on protein structure and function are either unavailable or do not agree on the potential impact of this missense change (SIFT: "Deleterious"; PolyPhen-2: "Probably Damaging"; Align-GVGD: "Class C0"). In summary, the available evidence is currently insufficient to determine the role of this variant in disease. Therefore, it has been classified as a Variant of Uncertain Significance.

NM_005045.4(RELN):c.6977A>G (p.Asp2326Gly)

Gene: RELN (reelin; minus strand). Cytogenetic location: 7q22.1.
Variant type: single nucleotide variant.
Coding change: c.6977A>G on transcript NM_005045.4 (MANE Select); coding-DNA position 6977, A replaced by G.
Protein change: p.Asp2326Gly; replaces aspartic acid 2326 with glycine.
Molecular consequence: missense variant.
Genome position (GRCh38, 1-based): chr7:103,539,281, T>C on the plus strand (A>G on the coding strand, the complement: RELN is on the minus strand). VCF-style: chr7-103539281-T-C. GRCh37 (hg19) VCF-style: chr7-103179728-T-C.
Other names: c.6977A>G, p.Asp2326Gly (NM_173054.3); short protein forms D2326G.
Identifiers: ClinVar variation 1038238 (VCV001038238.9), dbSNP rs1830124301, ClinGen allele CA368769418.